The following is an entry in ClinVar:

ClinVar aggregate classification (germline): Uncertain significance. Review status: criteria provided, multiple submitters, no conflicts (2 of 4 stars). 2 submissions from 2 submitters: Uncertain significance (2). Last evaluated 2026-06-25.

Conditions:
Neuropathy, hereditary sensory and autonomic, type 2A (HSAN2A). Also called: HSAN IIA; WNK1-Related HSAN2 (HSAN2A); MORVAN DISEASE; NEUROPATHY, CONGENITAL SENSORY; NEUROPATHY, HEREDITARY SENSORY RADICULAR, AUTOSOMAL RECESSIVE; NEUROPATHY, HEREDITARY SENSORY, TYPE IIA. Identifiers: Orphanet 970, MedGen C2752089, MONDO:0024309, OMIM 201300.
Generalized epilepsy with febrile seizures plus, type 7 (GEFSP7). Also called: GEFS+, TYPE 7. Identifiers: Orphanet 36387, MedGen C2751778, MONDO:0013470, OMIM 613863.

Allele frequency attached by ClinVar (database versions not stated): TOPMed 0.00001; gnomAD exomes 0.00002; gnomAD 0.00003.

Submissions (2):

Women's Health and Genetics/Laboratory Corporation of America, LabCorp
Classification: Uncertain significance. Last evaluated: 2026-06-25. Review status: criteria provided, single submitter. Criteria: LabCorp Variant Classification Summary - May 2015. Collection method: clinical testing. Allele origin: germline.
Comment: Variant summary: SCN9A c.5371C>T (p.Leu1791Phe) results in a non-conservative amino acid change in the encoded protein sequence. Algorithms developed to predict the effect of missense changes on protein structure and function are either unavailable or do not agree on the potential impact of this missense change. The variant was absent in 251482 control chromosomes. The available data on variant occurrences in the general population are insufficient to allow any conclusion about variant significance. To our knowledge, no occurrence of c.5371C>T in individuals affected with SCN9A-related conditions and no experimental evidence demonstrating its impact on protein function have been reported. ClinVar contains an entry for this variant (Variation ID: 1058014). Based on the evidence outlined above, the variant was classified as uncertain significance.

Labcorp Genetics (formerly Invitae), Labcorp
Classification: Uncertain significance for Neuropathy, hereditary sensory and autonomic, type 2A; Generalized epilepsy with febrile seizures plus, type 7. Last evaluated: 2025-01-19. Review status: criteria provided, single submitter. Criteria: Invitae Variant Classification Sherloc (09022015). Collection method: clinical testing. Allele origin: germline.
Comment: This sequence change replaces leucine, which is neutral and non-polar, with phenylalanine, which is neutral and non-polar, at codon 1791 of the SCN9A protein (p.Leu1791Phe). This variant is not present in population databases (gnomAD no frequency). This variant has not been reported in the literature in individuals affected with SCN9A-related conditions. ClinVar contains an entry for this variant (Variation ID: 1058014). Invitae Evidence Modeling of protein sequence and biophysical properties (such as structural, functional, and spatial information, amino acid conservation, physicochemical variation, residue mobility, and thermodynamic stability) has been performed for this missense variant. However, the output from this modeling did not meet the statistical confidence thresholds required to predict the impact of this variant on SCN9A protein function. In summary, the available evidence is currently insufficient to determine the role of this variant in disease. Therefore, it has been classified as a Variant of Uncertain Significance.

NM_001365536.1(SCN9A):c.5404C>T (p.Leu1802Phe)

Genes: SCN1A-AS1 (SCN1A and SCN9A antisense RNA 1; plus strand), SCN9A (sodium voltage-gated channel alpha subunit 9; minus strand). Cytogenetic location: 2q24.3.
Variant type: single nucleotide variant.
Coding change: c.5404C>T on transcript NM_001365536.1 (MANE Select); coding-DNA position 5404, C replaced by T.
Protein change: p.Leu1802Phe; replaces leucine 1802 with phenylalanine.
Molecular consequence: missense variant.
Genome position (GRCh38, 1-based): chr2:166,199,235, G>A on the plus strand (C>T on the coding strand, the complement: SCN9A is on the minus strand). VCF-style: chr2-166199235-G-A. GRCh37 (hg19) VCF-style: chr2-167055745-G-A.
Other names: c.5371C>T, p.Leu1791Phe (NM_002977.4); short protein forms L1791F, L1802F.
Identifiers: ClinVar variation 1058014 (VCV001058014.10), dbSNP rs1200692264, ClinGen allele CA349053010.
Genomic context (GRCh38, chr2:166,199,235, plus strand): 5'-GGACTTTGTTGGGTTTTGCTATGAGAAGAGGAGGATCCAGGGCAGCTGCAAAATCAGAGA[G>A]TTTAGAGAACTCTATAAACTGGGTCGCATCGGGATCAAACTTCTCCCAAACCTCATAGAA-3'
Protein context (NP_001352465.1, residues 1792-1812): DATQFIEFSK[Leu1802Phe]SDFAAALDPP